The following is an entry in ClinVar:

NM_001378477.3(NYX):c.311T>G (p.Leu104Arg)

Gene: NYX (nyctalopin; plus strand). Cytogenetic location: Xp11.4.
Variant type: single nucleotide variant.
Coding change: c.311T>G on transcript NM_001378477.3 (MANE Select); coding-DNA position 311, T replaced by G.
Protein change: p.Leu104Arg; replaces leucine 104 with arginine.
Molecular consequence: missense variant.
Genome position (GRCh38, 1-based): chrX:41,473,779, T>G. VCF-style: chrX-41473779-T-G. GRCh37 (hg19) VCF-style: chrX-41333032-T-G.
Other names: c.311T>G, p.Leu104Arg (NM_022567.3); short protein forms L104R.
Identifiers: ClinVar variation 2113446 (VCV002113446.4), dbSNP rs2519606952, ClinGen allele CA412989833.

ClinVar aggregate classification (germline): Uncertain significance (1 of 4 stars; one submission).

Submission:

Labcorp Genetics (formerly Invitae), Labcorp
Classification: Uncertain significance. Last evaluated: 2022-03-29. Review status: criteria provided, single submitter. Criteria: Invitae Variant Classification Sherloc (09022015). Collection method: clinical testing. Allele origin: germline.
Comment: In summary, the available evidence is currently insufficient to determine the role of this variant in disease. Therefore, it has been classified as a Variant of Uncertain Significance. Algorithms developed to predict the effect of missense changes on protein structure and function (SIFT, PolyPhen-2, Align-GVGD) all suggest that this variant is likely to be disruptive. This variant has not been reported in the literature in individuals affected with NYX-related conditions. This variant is not present in population databases (gnomAD no frequency). This sequence change replaces leucine, which is neutral and non-polar, with arginine, which is basic and polar, at codon 109 of the NYX protein (p.Leu109Arg).